The following is an entry in ClinVar:

NM_003172.4(SURF1):c.58_59dup (p.Ala21fs)

Genes: SURF1 (SURF1 cytochrome c oxidase assembly factor; minus strand), LOC130002899 (ATAC-STARR-seq lymphoblastoid silent region 20452; plus strand). Cytogenetic location: 9q34.2.
Variant type: Duplication.
Coding change: c.58_59dup on transcript NM_003172.4 (MANE Select); coding-DNA positions 58 to 59, 2 bases duplicated (CC; older notation c.58_59dupCC).
Protein change: p.Ala21fs; shifts the reading frame from alanine 21.
Molecular consequence: frameshift variant. On other transcripts: intron variant (1).
Genome position (GRCh38, 1-based): chr9:133,356,316-133,356,317, GG duplicated on the plus strand (CC on the coding strand, the reverse complement: SURF1 is on the minus strand); duplicating any 2 consecutive bases within chr9:133,356,316-133,356,319 gives the same sequence; the c. name uses the placement nearest the transcript's 3' end. VCF-style (leftmost placement, unchanged base first): chr9-133356315-C-CGG. GRCh37 (hg19) VCF-style: chr9-136223170-C-CGG.
Other names: c.-222+83_-222+84dup (NM_001280787.1); short protein forms A21fs.
Identifiers: ClinVar variation 1397724 (VCV001397724.6), dbSNP rs2119088472, ClinGen allele CA2573144316.

ClinVar aggregate classification (germline): Pathogenic (1 of 4 stars; one submission).

Conditions:
Leigh syndrome (NULS). Also called: Leigh Disease; Leigh's necrotizing encephalopathy; Leigh's disease; Leigh Syndrome (mtDNA deletion); Leigh's syndrome; Subacute necrotizing encephalopathy. Identifiers: Orphanet 506, MedGen C2931891, MONDO:0009723, OMIM 256000.

Submission:

Labcorp Genetics (formerly Invitae), Labcorp
Classification: Pathogenic for Leigh syndrome. Last evaluated: 2021-10-08. Review status: criteria provided, single submitter. Criteria: Invitae Variant Classification Sherloc (09022015). Collection method: clinical testing. Allele origin: germline.
Comment: This sequence change creates a premature translational stop signal (p.Ala21Argfs*52) in the SURF1 gene. It is expected to result in an absent or disrupted protein product. Loss-of-function variants in SURF1 are known to be pathogenic (PMID: 10443880, 22488715, 24027061). For these reasons, this variant has been classified as Pathogenic. This variant has not been reported in the literature in individuals affected with SURF1-related conditions. The frequency data for this variant in the population databases is considered unreliable, as metrics indicate insufficient coverage at this position in the ExAC database.

Literature cited by the submitters: PubMed 10443880; PubMed 22488715; PubMed 24027061.